The following is an entry in ClinVar:

ClinVar aggregate classification (germline): Benign/Likely benign. Review status: criteria provided, multiple submitters, no conflicts (2 of 4 stars). 4 submissions from 4 submitters: Benign (2); Likely benign (1). 1 of the submissions does not count toward it. Last evaluated 2025-11-25.

Conditions:
KAT6A-related disorder. Also called: KAT6A-related condition.
Inborn genetic diseases. Identifiers: MedGen C0950123, MeSH D030342.

Allele frequency attached by ClinVar (database versions not stated): gnomAD 0.00007 and 0.00010; ExAC 0.00015; gnomAD exomes 0.00015; TOPMed 0.00016.
gnomAD v4.1: 75 of 1,607,054 alleles (0.0047%); highest among the groups gnomAD compares: East Asian, 0.083%; 1 homozygote.

Submissions (4):

Labcorp Genetics (formerly Invitae), Labcorp
Classification: Benign. Last evaluated: 2025-11-25. Review status: criteria provided, single submitter. Criteria: Invitae Variant Classification Sherloc (09022015). Collection method: clinical testing. Allele origin: germline.

GeneDx
Classification: Benign. Last evaluated: 2020-01-14. Review status: criteria provided, single submitter. Criteria: GeneDx Variant Classification Process June 2021. Collection method: clinical testing. Allele origin: germline. Affected: yes.

Ambry Genetics
Classification: Likely benign for Inborn genetic diseases. Last evaluated: 2018-09-30. Review status: criteria provided, single submitter. Criteria: Ambry Variant Classification Scheme 2023. Collection method: clinical testing. Allele origin: germline.

PreventionGenetics, part of Exact Sciences
Classification: Likely benign for KAT6A-related condition. Last evaluated: 2021-09-17. Review status: no assertion criteria provided. Collection method: clinical testing. Allele origin: germline. Not counted in ClinVar's aggregate classification.
Comment: This variant is classified as likely benign based on ACMG/AMP sequence variant interpretation guidelines (Richards et al. 2015 PMID: 25741868, with internal and published modifications).

NM_006766.5(KAT6A):c.3764C>G (p.Ala1255Gly)

Gene: KAT6A (lysine acetyltransferase 6A; minus strand). Cytogenetic location: 8p11.21.
Variant type: single nucleotide variant.
Coding change: c.3764C>G on transcript NM_006766.5 (MANE Select); coding-DNA position 3764, C replaced by G.
Protein change: p.Ala1255Gly; replaces alanine 1255 with glycine.
Molecular consequence: missense variant.
Genome position (GRCh38, 1-based): chr8:41,934,456, G>C on the plus strand (C>G on the coding strand, the complement: KAT6A is on the minus strand). VCF-style: chr8-41934456-G-C. GRCh37 (hg19) VCF-style: chr8-41791974-G-C.
Other names: c.3764C>G (NM_006766.4); short protein forms A1255G.
Identifiers: ClinVar variation 1281676 (VCV001281676.10), dbSNP rs373190705, ClinGen allele CA4729614.
Genomic context (GRCh38, chr8:41,934,456, plus strand): 5'-TCTTCTTCCTCCTCCACCTCAGGCTCCTTGGTTTCGGTCTCAGGACTATTGCTGCTGTCT[G>C]CTGGAGAGGCTGCTGGGACTTCACTGCTGGCTGCATCCTCTTCCTCACCCTCTTCAGCCT-3'
Protein context (NP_006757.2, residues 1245-1265): ASSEVPAASP[Ala1255Gly]DSSNSPETET